The following is an entry in ClinVar:

ClinVar aggregate classification (germline): Uncertain significance (1 of 4 stars; one submission).

Submission:

Labcorp Genetics (formerly Invitae), Labcorp
Classification: Uncertain significance. Last evaluated: 2025-05-21. Review status: criteria provided, single submitter. Criteria: Invitae Variant Classification Sherloc (09022015). Collection method: clinical testing. Allele origin: germline.
Comment: This sequence change replaces leucine, which is neutral and non-polar, with phenylalanine, which is neutral and non-polar, at codon 677 of the NALCN protein (p.Leu677Phe). The frequency data for this variant in the population databases is considered unreliable, as metrics indicate poor data quality at this position in the gnomAD database. This variant has not been reported in the literature in individuals affected with NALCN-related conditions. Invitae Evidence Modeling of protein sequence and biophysical properties (such as structural, functional, and spatial information, amino acid conservation, physicochemical variation, residue mobility, and thermodynamic stability) indicates that this missense variant is not expected to disrupt NALCN protein function with a negative predictive value of 80%. In summary, the available evidence is currently insufficient to determine the role of this variant in disease. Therefore, it has been classified as a Variant of Uncertain Significance.

NM_052867.4(NALCN):c.2029C>T (p.Leu677Phe)

Gene: NALCN (sodium leak channel, non-selective; minus strand). Cytogenetic location: 13q33.1.
Variant type: single nucleotide variant.
Coding change: c.2029C>T on transcript NM_052867.4 (MANE Select); coding-DNA position 2029, C replaced by T.
Protein change: p.Leu677Phe; replaces leucine 677 with phenylalanine.
Molecular consequence: missense variant.
Genome position (GRCh38, 1-based): chr13:101,143,169, G>A on the plus strand (C>T on the coding strand, the complement: NALCN is on the minus strand). VCF-style: chr13-101143169-G-A. GRCh37 (hg19) VCF-style: chr13-101795520-G-A.
Other names: c.2029C>T, p.Leu677Phe (NM_001350748.2, NM_001350749.2); c.1942C>T, p.Leu648Phe (NM_001350750.2, NM_001350751.2); short protein forms L648F, L677F.
Identifiers: ClinVar variation 4696659 (VCV004696659.1).